The following is an entry in ClinVar:

ClinVar aggregate classification (germline): Likely benign (1 of 4 stars; one submission).

Allele frequency attached by ClinVar (database versions not stated): TOPMed 0.00002.
gnomAD v4.1: 1 of 1,613,456 alleles (0.000062%); no homozygotes.

Submission:

GeneDx
Classification: Likely benign. Last evaluated: 2018-05-22. Review status: criteria provided, single submitter. Criteria: GeneDx Variant Classification (06012015). Collection method: clinical testing. Allele origin: germline. Affected: yes.
Comment: This variant is considered likely benign or benign based on one or more of the following criteria: it is a conservative change, it occurs at a poorly conserved position in the protein, it is predicted to be benign by multiple in silico algorithms, and/or has population frequency not consistent with disease.

NM_001267550.2(TTN):c.78027A>G (p.Ile26009Met)

Genes: TTN (titin; minus strand), TTN-AS1 (TTN antisense RNA 1; plus strand). Cytogenetic location: 2q31.2.
Variant type: single nucleotide variant.
Coding change: c.78027A>G on transcript NM_001267550.2 (MANE Select); coding-DNA position 78027, A replaced by G.
Protein change: p.Ile26009Met; replaces isoleucine 26009 with methionine.
Molecular consequence: missense variant.
Genome position (GRCh38, 1-based): chr2:178,568,105, T>C on the plus strand (A>G on the coding strand, the complement: TTN is on the minus strand). VCF-style: chr2-178568105-T-C. GRCh37 (hg19) VCF-style: chr2-179432832-T-C.
Other names: c.73104A>G, p.Ile24368Met (NM_001256850.1); c.50832A>G, p.Ile16944Met (NM_003319.4); c.70323A>G, p.Ile23441Met (NM_133378.4); c.51207A>G, p.Ile17069Met (NM_133432.3); c.51408A>G, p.Ile17136Met (NM_133437.4); short protein forms I16944M, I17136M, I26009M, I23441M, I17069M, I24368M.
Identifiers: ClinVar variation 668575 (VCV000668575.1), dbSNP rs951099049, ClinGen allele CA60991722.